The following is an entry in ClinVar:

NM_007294.4(BRCA1):c.5153-20C>A

Gene: BRCA1 (BRCA1 DNA repair associated; minus strand). Cytogenetic location: 17q21.31.
Variant type: single nucleotide variant.
Coding change: c.5153-20C>A on transcript NM_007294.4 (MANE Select); 20 bases into the intron before coding-DNA position 5153, C replaced by A.
Molecular consequence: intron variant.
Genome position (GRCh38, 1-based): chr17:43,063,393, G>T on the plus strand (C>A on the coding strand, the complement: BRCA1 is on the minus strand). VCF-style: chr17-43063393-G-T. GRCh37 (hg19) VCF-style: chr17-41215410-G-T.
Other names: c.4817-20C>A (NM_001407952.1, NM_001407950.1, NM_001407953.1 and 3 more transcripts); c.5006-20C>A (NM_001407841.1, NM_001407838.1, NM_001407848.1 and 12 more transcripts); c.4946-20C>A (NM_001407874.1, NM_001407875.1); c.1763-20C>A (NM_001408416.1, NM_001408414.1, NM_001408415.1 and 2 more transcripts); c.4940-20C>A (NM_001407571.1, NM_001407907.1, NM_001407902.1 and 12 more transcripts); c.4820-20C>A (NM_001407948.1, NM_001407947.1, NM_001407949.1 and 1 more transcripts); c.1631-20C>A (NM_001408484.1, NM_001408485.1, NM_001408483.1 and 5 more transcripts); c.1634-20C>A (NM_001408478.1, NM_001408480.1, NM_001408479.1); and 72 more.
Identifiers: ClinVar variation 865049 (VCV000865049.3), dbSNP rs2051877292, ClinGen allele CA916080086.

Conditions:
Breast-ovarian cancer, familial, susceptibility to, 1 (BROVCA1). Also called: BRCA1 Hereditary Breast and Ovarian Cancer; OVARIAN CANCER, SUSCEPTIBILITY TO. Identifiers: Orphanet 145, MedGen C2676676, MONDO:0011450, OMIM 604370. Disease mechanism: loss of function.

Submission:

Brotman Baty Institute, University of Washington
No classification provided (evidence only). Condition: Breast-ovarian cancer, familial 1. Review status: no classification provided. Collection method: in vitro. Allele origin: not applicable. Functional consequence: functionally_normal.
ClinVar note: "not provided" was previously submitted as the classification for the variant. However, the classification appeared to be based only on an observation of functional data so it was converted to no classification on 2025-07-30.